The following is an entry in ClinVar:

NM_012448.4(STAT5B):c.409A>G (p.Met137Val)

Gene: STAT5B (signal transducer and activator of transcription 5B; minus strand). Cytogenetic location: 17q21.2.
Variant type: single nucleotide variant.
Coding change: c.409A>G on transcript NM_012448.4 (MANE Select); coding-DNA position 409, A replaced by G.
Protein change: p.Met137Val; replaces methionine 137 with valine.
Molecular consequence: missense variant.
Genome position (GRCh38, 1-based): chr17:42,223,523, T>C on the plus strand (A>G on the coding strand, the complement: STAT5B is on the minus strand). VCF-style: chr17-42223523-T-C. GRCh37 (hg19) VCF-style: chr17-40375541-T-C.
Other names: short protein forms M137V.
Identifiers: ClinVar variation 4725802 (VCV004725802.1).
Genomic context (GRCh38, chr17:42,223,523, plus strand): 5'-CCTGCGTGACCAGTCGCAGCTCCTCAAACGTCTGGTTGATCTGGAGGTGTTTCTGGGACA[T>C]GGCATCAGCAAGGCTTCCAGCTGGAGAGCTACCCTGGGAACATATGGGGGGCAGTGCAAG-3'
Protein context (NP_036580.2, residues 127-147): SSPAGSLADA[Met137Val]SQKHLQINQT

ClinVar aggregate classification (germline): Uncertain significance (1 of 4 stars; one submission).

Conditions:
Growth hormone insensitivity with immune dysregulation 1, autosomal recessive. Also called: Laron syndrome with immunodeficiency; GROWTH HORMONE INSENSITIVITY SYNDROME WITH IMMUNE DYSREGULATION 1, AUTOSOMAL RECESSIVE; GROWTH HORMONE INSENSITIVITY DUE TO POSTRECEPTOR DEFECT; LARON SYNDROME DUE TO POSTRECEPTOR DEFECT. Identifiers: Orphanet 220465, MedGen C5435698, MONDO:0100211, OMIM 245590.

Submission:

Labcorp Genetics (formerly Invitae), Labcorp
Classification: Uncertain significance for Growth hormone insensitivity with immune dysregulation 1, autosomal recessive. Last evaluated: 2025-12-07. Review status: criteria provided, single submitter. Criteria: Invitae Variant Classification Sherloc (09022015). Collection method: clinical testing. Allele origin: germline.
Comment: This sequence change replaces methionine, which is neutral and non-polar, with valine, which is neutral and non-polar, at codon 137 of the STAT5B protein (p.Met137Val). This variant is not present in population databases (gnomAD no frequency). This variant has not been reported in the literature in individuals affected with STAT5B-related conditions. Invitae Evidence Modeling of protein sequence and biophysical properties (such as structural, functional, and spatial information, amino acid conservation, physicochemical variation, residue mobility, and thermodynamic stability) indicates that this missense variant is not expected to disrupt STAT5B protein function with a negative predictive value of 80%. In summary, the available evidence is currently insufficient to determine the role of this variant in disease. Therefore, it has been classified as a Variant of Uncertain Significance.